The following is an entry in ClinVar:

NM_000152.5(GAA):c.663C>T (p.Ile221=)

Gene: GAA (alpha glucosidase; plus strand). Cytogenetic location: 17q25.3.
Variant type: single nucleotide variant.
Coding change: c.663C>T on transcript NM_000152.5 (MANE Select); coding-DNA position 663, C replaced by T.
Protein change: p.Ile221=; no amino-acid change (isoleucine 221 retained).
Molecular consequence: synonymous variant.
Genome position (GRCh38, 1-based): chr17:80,105,865, C>T. VCF-style: chr17-80105865-C-T. GRCh37 (hg19) VCF-style: chr17-78079664-C-T.
Other names: c.663C>T, p.Ile221= (NM_001079803.3, NM_001079804.3); c.663C>T (LRG_673t1).
Identifiers: ClinVar variation 456426 (VCV000456426.28), dbSNP rs142878958, ClinGen allele CA8814956.

ClinVar aggregate classification (germline): Conflicting classifications of pathogenicity. Review status: criteria provided, conflicting classifications (1 of 4 stars). 8 submissions from 8 submitters: Uncertain significance (2); Likely benign (6). Last evaluated 2026-03-01.

Conditions:
Glycogen storage disease, type II (IOPD). Also called: POMPE DISEASE, INFANTILE-ONSET; GLYCOGEN STORAGE DISEASE II, INFANTILE-ONSET; ACID ALPHA-GLUCOSIDASE DEFICIENCY, INFANTILE-ONSET; GAA DEFICIENCY, INFANTILE-ONSET; ACID MALTASE DEFICIENCY, INFANTILE-ONSET; GLYCOGENOSIS, GENERALIZED, CARDIAC FORM. Identifiers: Orphanet 365, MedGen C0017921, MONDO:0009290, OMIM 232300.
Cardiovascular phenotype. Identifiers: MedGen CN230736.

Allele frequency attached by ClinVar (database versions not stated): gnomAD exomes 0.00012; TOPMed 0.00013; ExAC 0.00018; ESP Exome Variant Server 0.00023.
gnomAD v4.1: 129 of 1,603,826 alleles (0.008%); highest among the groups gnomAD compares: Middle Eastern, 0.018%; no homozygotes.

Submissions (8):

CeGaT Center for Human Genetics Tuebingen
Classification: Likely benign. Last evaluated: 2026-03-01. Review status: criteria provided, single submitter. Criteria: CeGaT Center For Human Genetics Tuebingen Variant Classification Criteria Version 2. Collection method: clinical testing. Allele origin: germline. Affected: yes. Observed: 1 variant allele.
Comment: GAA: BP4, BP7

Labcorp Genetics (formerly Invitae), Labcorp
Classification: Likely benign for Glycogen storage disease, type II. Last evaluated: 2026-01-09. Review status: criteria provided, single submitter. Criteria: Invitae Variant Classification Sherloc (09022015). Collection method: clinical testing. Allele origin: germline.

Blueprint Genetics
Classification: Likely benign. Last evaluated: 2024-08-28. Review status: criteria provided, single submitter. Criteria: ACMG Guidelines, 2015. Collection method: clinical testing. Allele origin: germline.

Ambry Genetics
Classification: Likely benign for Cardiovascular phenotype. Last evaluated: 2022-05-24. Review status: criteria provided, single submitter. Criteria: Ambry Variant Classification Scheme 2023. Collection method: clinical testing. Allele origin: germline.

Genome-Nilou Lab
Classification: Likely benign for Glycogen storage disease, type II. Last evaluated: 2021-07-22. Review status: criteria provided, single submitter. Criteria: ACMG Guidelines, 2015. Collection method: clinical testing. Allele origin: germline. Affected: no.

Broad Center for Mendelian Genomics, Broad Institute of MIT and Harvard
Classification: Likely benign for Glycogen storage disease, type II. Last evaluated: 2020-01-22. Review status: criteria provided, single submitter. Criteria: ACMG Guidelines, 2015. Collection method: curation. Allele origin: germline. Inheritance: Autosomal recessive inheritance.
Comment: The c.663C>T (p.Ile221=) variant in GAA has not been previously reported in individuals with Glycogen Storage Disease II but has been reported as a VUS by EGL Genetic Diagnostics and a likely benign variant by Invitae in ClinVar (Variation ID: 456426). This variant has been identified in 0.061% (12/19660) of European (Finnish) chromosomes by the Genome Aggregation Database (gnomAD; dbSNP rs142878958). Although this variant has been seen in the general population, its frequency is low enough to be consistent with a recessive carrier frequency. Computational splice prediction tools and conservation analyses suggest that this variant may not impact the protein, though this information is not predictive enough to rule out pathogenicity. However, novel synonymous variants supported by computational evidence without raised suspicion for an impact are likely benign (Richards 2015). In summary, although additional studies are required to fully establish its clinical significance, this variant is likely benign. ACMG/AMP Criteria applied: PM2, BP4, BP7 (Richards 2015).

GeneDx
Classification: Uncertain significance. Last evaluated: 2019-07-25. Review status: criteria provided, single submitter. Criteria: GeneDx Variant Classification Process June 2021. Collection method: clinical testing. Allele origin: germline. Affected: yes.
Comment: In silico analysis, which includes splice predictors and evolutionary conservation, suggests this variant may impact gene splicing. In the absence of RNA/functional studies, the actual effect of this sequence change is unknown.; Has not been previously published as pathogenic or benign to our knowledge

Eurofins Ntd Llc (ga)
Classification: Uncertain significance. Last evaluated: 2017-04-27. Review status: criteria provided, single submitter. Criteria: EGL Classification Definitions 2015. Collection method: clinical testing. Allele origin: germline. Observed: 1 variant allele, 1 heterozygote.